The following is an entry in ClinVar:

ClinVar aggregate classification (germline): Uncertain significance (1 of 4 stars; one submission).

Conditions:
Peroxisome biogenesis disorder 7A (Zellweger). Also called: Peroxisome biogenesis disorder 7A. Identifiers: Orphanet 912, MedGen C3888385, MONDO:0013938, OMIM 614872.
Peroxisome biogenesis disorder 7B (PBD7B). Identifiers: Orphanet 44, MedGen C3553951, MONDO:0013939, OMIM 614873.

Submission:

Labcorp Genetics (formerly Invitae), Labcorp
Classification: Uncertain significance for Peroxisome biogenesis disorder 7A (Zellweger); Peroxisome biogenesis disorder 7B. Last evaluated: 2022-09-07. Review status: criteria provided, single submitter. Criteria: Invitae Variant Classification Sherloc (09022015). Collection method: clinical testing. Allele origin: germline.
Comment: In summary, the available evidence is currently insufficient to determine the role of this variant in disease. Therefore, it has been classified as a Variant of Uncertain Significance. This sequence change replaces alanine, which is neutral and non-polar, with threonine, which is neutral and polar, at codon 41 of the PEX26 protein (p.Ala41Thr). Algorithms developed to predict the effect of missense changes on protein structure and function (SIFT, PolyPhen-2, Align-GVGD) all suggest that this variant is likely to be disruptive. This variant has not been reported in the literature in individuals affected with PEX26-related conditions. This variant is not present in population databases (gnomAD no frequency).

NM_001127649.3(PEX26):c.121G>A (p.Ala41Thr)

Gene: PEX26 (peroxisomal biogenesis factor 26; plus strand). Cytogenetic location: 22q11.21.
Variant type: single nucleotide variant.
Coding change: c.121G>A on transcript NM_001127649.3 (MANE Select); coding-DNA position 121, G replaced by A.
Protein change: p.Ala41Thr; replaces alanine 41 with threonine.
Molecular consequence: missense variant.
Genome position (GRCh38, 1-based): chr22:18,078,497, G>A. VCF-style: chr22-18078497-G-A. GRCh37 (hg19) VCF-style: chr22-18561263-G-A.
Other names: c.121G>A, p.Ala41Thr (NM_001199319.2, NM_017929.6); short protein forms A41T.
Identifiers: ClinVar variation 2065411 (VCV002065411.4), dbSNP rs2517663527, ClinGen allele CA410264690.